The following is an entry in ClinVar:

NM_001177701.3(IFT27):c.416G>A (p.Arg139Gln)

Genes: CACNG2-DT (CACNG2 divergent transcript; plus strand), IFT27 (intraflagellar transport 27; minus strand). Cytogenetic location: 22q12.3.
Variant type: single nucleotide variant.
Coding change: c.416G>A on transcript NM_001177701.3 (MANE Select); coding-DNA position 416, G replaced by A.
Protein change: p.Arg139Gln; replaces arginine 139 with glutamine.
Molecular consequence: missense variant.
Genome position (GRCh38, 1-based): chr22:36,762,950, C>T on the plus strand (G>A on the coding strand, the complement: IFT27 is on the minus strand). VCF-style: chr22-36762950-C-T. GRCh37 (hg19) VCF-style: chr22-37158994-C-T.
Other names: c.416G>A, p.Arg139Gln (NM_001363003.2); c.413G>A, p.Arg138Gln (NM_006860.5); c.413G>A (NM_006860.4); c.416G>A (NM_001177701.1); short protein forms R139Q, R138Q.
Identifiers: ClinVar variation 1478863 (VCV001478863.8), dbSNP rs759899864, ClinGen allele CA10212350.

ClinVar aggregate classification (germline): Conflicting classifications of pathogenicity. Review status: criteria provided, conflicting classifications (1 of 4 stars). 3 submissions from 3 submitters: Uncertain significance (2); Likely benign (1). Last evaluated 2024-10-20.

Conditions:
Inborn genetic diseases. Identifiers: MedGen C0950123, MeSH D030342.
IFT27-related disorder. Also called: IFT27-related condition.

Allele frequency attached by ClinVar (database versions not stated): gnomAD 0.00002 and 0.00003; gnomAD exomes 0.00002; TOPMed 0.00002; ExAC 0.00003.
gnomAD v4.1: 33 of 1,599,174 alleles (0.0021%); highest among the groups gnomAD compares: South Asian, 0.019%; no homozygotes.

Submissions (3):

Ambry Genetics
Classification: Likely benign for Inborn genetic diseases. Last evaluated: 2024-10-20. Review status: criteria provided, single submitter. Criteria: Ambry Variant Classification Scheme 2023. Collection method: clinical testing. Allele origin: germline.

Labcorp Genetics (formerly Invitae), Labcorp
Classification: Uncertain significance. Last evaluated: 2023-11-06. Review status: criteria provided, single submitter. Criteria: Invitae Variant Classification Sherloc (09022015). Collection method: clinical testing. Allele origin: germline.
Comment: This sequence change replaces arginine, which is basic and polar, with glutamine, which is neutral and polar, at codon 138 of the IFT27 protein (p.Arg138Gln). This variant is present in population databases (rs759899864, gnomAD 0.02%). This variant has not been reported in the literature in individuals affected with IFT27-related conditions. ClinVar contains an entry for this variant (Variation ID: 1478863). Advanced modeling of protein sequence and biophysical properties (such as structural, functional, and spatial information, amino acid conservation, physicochemical variation, residue mobility, and thermodynamic stability) performed at Invitae indicates that this missense variant is not expected to disrupt IFT27 protein function with a negative predictive value of 95%. In summary, the available evidence is currently insufficient to determine the role of this variant in disease. Therefore, it has been classified as a Variant of Uncertain Significance.

PreventionGenetics, part of Exact Sciences
Classification: Uncertain significance for IFT27-related condition. Last evaluated: 2023-03-09. Review status: criteria provided, single submitter. Criteria: ACMG Guidelines, 2015. Collection method: clinical testing. Allele origin: germline.
Comment: The IFT27 c.413G>A variant is predicted to result in the amino acid substitution p.Arg138Gln. To our knowledge, this variant has not been reported in the literature. This variant is reported in 0.017% of alleles in individuals of South Asian descent in gnomAD. At this time, the clinical significance of this variant is uncertain due to the absence of conclusive functional and genetic evidence.